The following is an entry in ClinVar:

ClinVar aggregate classification (germline): Uncertain significance (1 of 4 stars; one submission).

gnomAD v4.1: 1 of 1,613,716 alleles (0.000062%); no homozygotes.

Submission:

GeneDx
Classification: Uncertain significance. Last evaluated: 2020-10-19. Review status: criteria provided, single submitter. Criteria: GeneDx Variant Classification Process June 2021. Collection method: clinical testing. Allele origin: germline. Affected: yes.
Comment: Not observed in large population cohorts (Lek et al., 2016); In silico analysis supports that this missense variant does not alter protein structure/function; Has not been previously published as pathogenic or benign to our knowledge

NM_000827.4(GRIA1):c.452C>G (p.Ala151Gly)

Gene: GRIA1 (glutamate ionotropic receptor AMPA type subunit 1; plus strand). Cytogenetic location: 5q33.2.
Variant type: single nucleotide variant.
Coding change: c.452C>G on transcript NM_000827.4 (MANE Select); coding-DNA position 452, C replaced by G.
Protein change: p.Ala151Gly; replaces alanine 151 with glycine.
Molecular consequence: missense variant. On other transcripts: non-coding transcript variant (2), intron variant (1).
Genome position (GRCh38, 1-based): chr5:153,647,159, C>G. VCF-style: chr5-153647159-C-G. GRCh37 (hg19) VCF-style: chr5-153026719-C-G.
Other names: c.452C>G, p.Ala151Gly (NM_001114183.2, NM_001364165.2); c.167C>G, p.Ala56Gly (NM_001258020.2); c.482C>G, p.Ala161Gly (NM_001258021.2, NM_001258022.2); c.245C>G, p.Ala82Gly (NM_001258023.1, NM_001364167.2); c.479C>G, p.Ala160Gly (NM_001364166.2); c.221-3171C>G (NM_001258019.2); short protein forms A151G, A160G, A161G, A56G, A82G.
Identifiers: ClinVar variation 1313330 (VCV001313330.2), dbSNP rs2149453702, ClinGen allele CA361905940.